The following is an entry in ClinVar:

NM_000455.5(STK11):c.241A>G (p.Lys81Glu)

Gene: STK11 (serine/threonine kinase 11; plus strand). Cytogenetic location: 19p13.3.
Variant type: single nucleotide variant.
Coding change: c.241A>G on transcript NM_000455.5 (MANE Select); coding-DNA position 241, A replaced by G.
Protein change: p.Lys81Glu; replaces lysine 81 with glutamic acid.
Molecular consequence: missense variant. On other transcripts: non-coding transcript variant (1).
Genome position (GRCh38, 1-based): chr19:1,207,154, A>G. VCF-style: chr19-1207154-A-G. GRCh37 (hg19) VCF-style: chr19-1207153-A-G.
Other names: c.241A>G, p.Lys81Glu (NM_001407255.1); short protein forms K81E.
Identifiers: ClinVar variation 4747124 (VCV004747124.1).

ClinVar aggregate classification (germline): Uncertain significance (1 of 4 stars; one submission).

Conditions:
Peutz-Jeghers syndrome (PJS). Also called: POLYPOSIS, HAMARTOMATOUS INTESTINAL; POLYPS-AND-SPOTS SYNDROME; Peutz-Jeghers polyposis; Periorificial lentiginosis syndrome. Identifiers: Orphanet 2869, MedGen C0031269, MeSH D010580, MONDO:0008280, OMIM 175200.

Submission:

Labcorp Genetics (formerly Invitae), Labcorp
Classification: Uncertain significance for Peutz-Jeghers syndrome. Last evaluated: 2025-08-20. Review status: criteria provided, single submitter. Criteria: Invitae Variant Classification Sherloc (09022015). Collection method: clinical testing. Allele origin: germline.
Comment: This sequence change replaces lysine, which is basic and polar, with glutamic acid, which is acidic and polar, at codon 81 of the STK11 protein (p.Lys81Glu). This variant is not present in population databases (gnomAD no frequency). This variant has not been reported in the literature in individuals affected with STK11-related conditions. Invitae Evidence Modeling of protein sequence and biophysical properties (such as structural, functional, and spatial information, amino acid conservation, physicochemical variation, residue mobility, and thermodynamic stability) has been performed for this missense variant. However, the output from this modeling did not meet the statistical confidence thresholds required to predict the impact of this variant on STK11 protein function. In summary, the available evidence is currently insufficient to determine the role of this variant in disease. Therefore, it has been classified as a Variant of Uncertain Significance.